The following is an entry in ClinVar:

NM_002900.3(RBP3):c.1427T>A (p.Met476Lys)

Gene: RBP3 (retinol binding protein 3; plus strand). Cytogenetic location: 10q11.22.
Variant type: single nucleotide variant.
Coding change: c.1427T>A on transcript NM_002900.3 (MANE Select); coding-DNA position 1427, T replaced by A.
Protein change: p.Met476Lys; replaces methionine 476 with lysine.
Molecular consequence: missense variant.
Genome position (GRCh38, 1-based): chr10:47,349,911, T>A. VCF-style: chr10-47349911-T-A. GRCh37 (hg19) VCF-style: chr10-48389451-A-T.
Other names: short protein forms M476K.
Identifiers: ClinVar variation 1358182 (VCV001358182.8), dbSNP rs782443446, ClinGen allele CA206461852.

ClinVar aggregate classification (germline): Uncertain significance (1 of 4 stars; one submission).

Submission:

Labcorp Genetics (formerly Invitae), Labcorp
Classification: Uncertain significance. Last evaluated: 2022-09-27. Review status: criteria provided, single submitter. Criteria: Invitae Variant Classification Sherloc (09022015). Collection method: clinical testing. Allele origin: germline.
Comment: In summary, the available evidence is currently insufficient to determine the role of this variant in disease. Therefore, it has been classified as a Variant of Uncertain Significance. Algorithms developed to predict the effect of missense changes on protein structure and function are either unavailable or do not agree on the potential impact of this missense change (SIFT: "Deleterious"; PolyPhen-2: "Benign"; Align-GVGD: "Class C0"). ClinVar contains an entry for this variant (Variation ID: 1358182). This variant has not been reported in the literature in individuals affected with RBP3-related conditions. This variant is not present in population databases (gnomAD no frequency). This sequence change replaces methionine, which is neutral and non-polar, with lysine, which is basic and polar, at codon 476 of the RBP3 protein (p.Met476Lys).